The following is an entry in ClinVar:

NM_001330700.2(TOP2B):c.709T>C (p.Cys237Arg)

Gene: TOP2B (DNA topoisomerase II beta; minus strand). Cytogenetic location: 3p24.2.
Variant type: single nucleotide variant.
Coding change: c.709T>C on transcript NM_001330700.2 (MANE Select); coding-DNA position 709, T replaced by C.
Protein change: p.Cys237Arg; replaces cysteine 237 with arginine.
Molecular consequence: missense variant.
Genome position (GRCh38, 1-based): chr3:25,636,079, A>G on the plus strand (T>C on the coding strand, the complement: TOP2B is on the minus strand). VCF-style: chr3-25636079-A-G. GRCh37 (hg19) VCF-style: chr3-25677570-A-G.
Other names: c.694T>C, p.Cys232Arg (NM_001068.3); short protein forms C237R, C232R.
Identifiers: ClinVar variation 2823233 (VCV002823233.3), dbSNP rs1185034976, ClinGen allele CA351912189.
Genomic context (GRCh38, chr3:25,636,079, plus strand): 5'-CAATATCCTTGTCAAGTTTTTCCATCTTAAATTTGGACAGATCTGGTTGGAATGTTATGC[A>G]TGTGTAATCTTCACCATCAAAATGTTTAATTTTGGCTTCAGAAGTCTTCATCATATTATT-3'
Protein context (NP_001317629.1, residues 227-247): IKHFDGEDYT[Cys237Arg]ITFQPDLSKF

ClinVar aggregate classification (germline): Uncertain significance (1 of 4 stars; one submission).

Allele frequency attached by ClinVar (database versions not stated): TOPMed 0.00001.

Submission:

Labcorp Genetics (formerly Invitae), Labcorp
Classification: Uncertain significance. Last evaluated: 2024-04-07. Review status: criteria provided, single submitter. Criteria: Invitae Variant Classification Sherloc (09022015). Collection method: clinical testing. Allele origin: germline.
Comment: This sequence change replaces cysteine, which is neutral and slightly polar, with arginine, which is basic and polar, at codon 232 of the TOP2B protein (p.Cys232Arg). This variant is not present in population databases (gnomAD no frequency). This variant has not been reported in the literature in individuals affected with TOP2B-related conditions. An algorithm developed to predict the effect of missense changes on protein structure and function (PolyPhen-2) suggests that this variant is likely to be tolerated. In summary, the available evidence is currently insufficient to determine the role of this variant in disease. Therefore, it has been classified as a Variant of Uncertain Significance.